The following is an entry in ClinVar:

NM_001943.5(DSG2):c.2191C>T (p.Gln731Ter)

Genes: DSG2 (desmoglein 2; plus strand), DSG2-AS1 (DSG2 antisense RNA 1; minus strand). Cytogenetic location: 18q12.1.
Variant type: single nucleotide variant.
Coding change: c.2191C>T on transcript NM_001943.5 (MANE Select); coding-DNA position 2191, C replaced by T.
Protein change: p.Gln731Ter; replaces glutamine 731 with a stop codon.
Molecular consequence: nonsense.
Genome position (GRCh38, 1-based): chr18:31,542,709, C>T. VCF-style: chr18-31542709-C-T. GRCh37 (hg19) VCF-style: chr18-29122672-C-T.
Other names: short protein forms Q731*.
Identifiers: ClinVar variation 3656428 (VCV003656428.2).

ClinVar aggregate classification (germline): Pathogenic (1 of 4 stars; one submission).

Conditions:
Arrhythmogenic right ventricular dysplasia 10. Also called: Arrhythmogenic Right Ventricular Dysplasia/Cardiomyopathy10; ARRHYTHMOGENIC RIGHT VENTRICULAR DYSPLASIA, FAMILIAL, 10; Arrhythmogenic right ventricular dysplasia/cardiomyopathy, type 10. Identifiers: MedGen C1857777, MONDO:0012434, OMIM 610193.

Submission:

Labcorp Genetics (formerly Invitae), Labcorp
Classification: Pathogenic for Arrhythmogenic right ventricular dysplasia 10. Last evaluated: 2024-06-12. Review status: criteria provided, single submitter. Criteria: Invitae Variant Classification Sherloc (09022015). Collection method: clinical testing. Allele origin: germline.
Comment: This sequence change creates a premature translational stop signal (p.Gln731*) in the DSG2 gene. It is expected to result in an absent or disrupted protein product. Loss-of-function variants in DSG2 are known to be pathogenic (PMID: 17105751, 31386562). This variant is not present in population databases (gnomAD no frequency). This variant has not been reported in the literature in individuals affected with DSG2-related conditions. For these reasons, this variant has been classified as Pathogenic.

Literature cited by the submitters: PubMed 17105751; PubMed 31386562.